The following is an entry in ClinVar:

ClinVar aggregate classification (germline): Uncertain significance (1 of 4 stars; one submission).

Allele frequency attached by ClinVar (database versions not stated): gnomAD exomes below 0.00001.
gnomAD v4.1: 4 of 1,610,930 alleles (0.00025%); highest among the groups gnomAD compares: South Asian, 0.0011%; no homozygotes.

Submission:

Labcorp Genetics (formerly Invitae), Labcorp
Classification: Uncertain significance. Last evaluated: 2022-07-26. Review status: criteria provided, single submitter. Criteria: Invitae Variant Classification Sherloc (09022015). Collection method: clinical testing. Allele origin: germline.
Comment: In summary, the available evidence is currently insufficient to determine the role of this variant in disease. Therefore, it has been classified as a Variant of Uncertain Significance. Advanced modeling of protein sequence and biophysical properties (such as structural, functional, and spatial information, amino acid conservation, physicochemical variation, residue mobility, and thermodynamic stability) performed at Invitae indicates that this missense variant is not expected to disrupt GRM6 protein function. ClinVar contains an entry for this variant (Variation ID: 1410250). This variant has not been reported in the literature in individuals affected with GRM6-related conditions. This variant is not present in population databases (gnomAD no frequency). This sequence change replaces proline, which is neutral and non-polar, with leucine, which is neutral and non-polar, at codon 315 of the GRM6 protein (p.Pro315Leu).

NM_000843.4(GRM6):c.944C>T (p.Pro315Leu)

Gene: GRM6 (glutamate metabotropic receptor 6; minus strand). Cytogenetic location: 5q35.3.
Variant type: single nucleotide variant.
Coding change: c.944C>T on transcript NM_000843.4 (MANE Select); coding-DNA position 944, C replaced by T.
Protein change: p.Pro315Leu; replaces proline 315 with leucine.
Molecular consequence: missense variant.
Genome position (GRCh38, 1-based): chr5:178,990,660, G>A on the plus strand (C>T on the coding strand, the complement: GRM6 is on the minus strand). VCF-style: chr5-178990660-G-A. GRCh37 (hg19) VCF-style: chr5-178417661-G-A.
Other names: short protein forms P315L.
Identifiers: ClinVar variation 1410250 (VCV001410250.8), dbSNP rs2113340426, ClinGen allele CA362431958.